The following is an entry in ClinVar:

ClinVar aggregate classification (germline): Uncertain significance. Review status: criteria provided, multiple submitters, no conflicts (2 of 4 stars). 5 submissions from 5 submitters: Uncertain significance (5). Last evaluated 2025-09-22.

Conditions:
Cardiovascular phenotype. Identifiers: MedGen CN230736.
Cardiomyopathy (CMYO). Also called: Cardiomyopathies. Identifiers: Orphanet 167848, MedGen C0878544, MONDO:0004994, HP:0001638. Inheritance: Various modes of inheritance.
Hypertrophic cardiomyopathy. Also called: HYPERTROPHIC MYOCARDIOPATHY. Identifiers: Orphanet 217569, MedGen C0007194, MeSH D002312, MONDO:0005045, HP:0001639.

Allele frequency attached by ClinVar (database versions not stated): gnomAD exomes below 0.00001.
gnomAD v4.1: 2 of 1,603,644 alleles (0.00012%); highest among the groups gnomAD compares: Non-Finnish European, 0.000085%; no homozygotes.

Submissions (5):

Color Diagnostics, LLC DBA Color Health
Classification: Uncertain significance for Cardiomyopathy. Last evaluated: 2025-09-22. Review status: criteria provided, single submitter. Criteria: ACMG Guidelines, 2015. Collection method: clinical testing. Allele origin: germline.
Comment: This missense variant replaces threonine with alanine at codon 1157 of the MYH7 protein. Computational prediction suggests that this variant may have a deleterious impact on protein structure and function. To our knowledge, functional studies have not been reported for this variant. This variant has been reported in an individual affected with left ventricular noncompaction (DOI:10.4172/2165-7920.1000980). This variant has not been identified in the general population by the Genome Aggregation Database (gnomAD). The available evidence is insufficient to determine the role of this variant in disease conclusively. Therefore, this variant is classified as a Variant of Uncertain Significance.

Labcorp Genetics (formerly Invitae), Labcorp
Classification: Uncertain significance for Hypertrophic cardiomyopathy. Last evaluated: 2024-08-28. Review status: criteria provided, single submitter. Criteria: Invitae Variant Classification Sherloc (09022015). Collection method: clinical testing. Allele origin: germline.
Comment: This sequence change replaces threonine, which is neutral and polar, with alanine, which is neutral and non-polar, at codon 1157 of the MYH7 protein (p.Thr1157Ala). This variant is not present in population databases (gnomAD no frequency). This variant has not been reported in the literature in individuals affected with MYH7-related conditions. ClinVar contains an entry for this variant (Variation ID: 181223). Invitae Evidence Modeling of protein sequence and biophysical properties (such as structural, functional, and spatial information, amino acid conservation, physicochemical variation, residue mobility, and thermodynamic stability) indicates that this missense variant is expected to disrupt MYH7 protein function with a positive predictive value of 95%. In summary, the available evidence is currently insufficient to determine the role of this variant in disease. Therefore, it has been classified as a Variant of Uncertain Significance.

All of Us Research Program, National Institutes of Health
Classification: Uncertain significance for Cardiomyopathy. Last evaluated: 2023-06-26. Review status: criteria provided, single submitter. Criteria: ACMG Guidelines, 2015. Collection method: clinical testing. Allele origin: germline. Inheritance: Autosomal dominant inheritance. Observed: 1 variant allele, 1 heterozygote.
Comment: This missense variant replaces threonine with alanine at codon 1157 of the MYH7 protein. Computational prediction suggests that this variant may have a deleterious impact on protein structure and function (internally defined REVEL score threshold >= 0.7, PMID: 27666373). To our knowledge, functional studies have not been reported for this variant. This variant has been reported in an individual affected with left ventricular noncompaction (DOI:10.4172/2165-7920.1000980). This variant has not been identified in the general population by the Genome Aggregation Database (gnomAD). The available evidence is insufficient to determine the role of this variant in disease conclusively. Therefore, this variant is classified as a Variant of Uncertain Significance.

This study involves interpretation of variants in research participants for the purpose of population health screening. Participant phenotype was not available at the time of variant classification. Additional details can be found in publication PMID: 35346344, PMCID: PMC8962531

Ambry Genetics
Classification: Uncertain significance for Cardiovascular phenotype. Last evaluated: 2020-06-23. Review status: criteria provided, single submitter. Criteria: Ambry Variant Classification Scheme 2023. Collection method: clinical testing. Allele origin: germline.
Comment: The p.T1157A variant (also known as c.3469A>G), located in coding exon 25 of the MYH7 gene, results from an A to G substitution at nucleotide position 3469. The threonine at codon 1157 is replaced by alanine, an amino acid with similar properties. This variant was reported in an individual with familial left ventricular non-compaction (LVNC), who had additional cardiac variants also detected (Mokhtar M et al. J ClinCase Rep. 2017;7:6). This amino acid position is highly conserved in available vertebrate species. In addition, the in silico prediction for this alteration is inconclusive. Since supporting evidence is limited at this time, the clinical significance of this alteration remains unclear.

GeneDx
Classification: Uncertain significance. Last evaluated: 2013-11-18. Review status: criteria provided, single submitter. Criteria: GeneDx Variant Classification (06012015). Collection method: clinical testing. Allele origin: germline. Affected: yes.
Comment: p.Thr1157Ala (ACG>GCG): c.3469 A>G in exon 27 of the MYH7 gene (NM_000257.2). The Thr1157Ala variant in the MYH7 gene has not been reported as a disease-causing mutation or as a benign polymorphism to our knowledge. Thr1157Ala was not observed in approximately 6000 individuals of European and African American ancestry in the NHLBI Exome Sequencing Project, indicating it is not a common benign variant in these populations. Thr1157Ala results in a non-conservative amino acid substitution of a neutral, polar Threonine with a neutral, non-polar Alanine at a position that is highly conserved across species. Consequently, in silico analysis predicts Thr1157Ala is damaging to the protein structure/function. However, mutations in nearby residues have not been reported, indicating this region of the protein may be tolerant of change. With the clinical and molecular information available at this time, we cannot definitively determine if Thr1157Ala is a disease-causing mutation or a rare benign variant. The variant is found in DCM-CRDM panel(s).

NM_000257.4(MYH7):c.3469A>G (p.Thr1157Ala)

Gene: MYH7 (myosin heavy chain 7; minus strand). Cytogenetic location: 14q11.2.
Variant type: single nucleotide variant.
Coding change: c.3469A>G on transcript NM_000257.4 (MANE Select); coding-DNA position 3469, A replaced by G.
Protein change: p.Thr1157Ala; replaces threonine 1157 with alanine.
Molecular consequence: missense variant.
Genome position (GRCh38, 1-based): chr14:23,420,102, T>C on the plus strand (A>G on the coding strand, the complement: MYH7 is on the minus strand). VCF-style: chr14-23420102-T-C. GRCh37 (hg19) VCF-style: chr14-23889311-T-C.
Other names: p.T1157A:ACG>GCG; c.3469A>G (LRG_384t1); short protein forms T1157A.
Identifiers: ClinVar variation 181223 (VCV000181223.12), dbSNP rs730880775, ClinGen allele CA013757.
Genomic context (GRCh38, chr14:23,420,102, plus strand): 5'-CCCGCCGCATCTTCTGGAACTCGGCCTCGCGCTTCTTGTTCATCTCGATCTGCACGGACG[T>C]GGCCCCGCCGGCCTCTTCCAGCCGCTCGCTGATCTCCTCCAGCTCCCGAGACAGGTCTGA-3'
Protein context (NP_000248.2, residues 1147-1167): SERLEEAGGA[Thr1157Ala]SVQIEMNKKR